The following is an entry in ClinVar:

NM_001271.4(CHD2):c.591_592del (p.Gln198fs)

Gene: CHD2 (chromodomain helicase DNA binding protein 2; plus strand). Cytogenetic location: 15q26.1.
Variant type: Deletion.
Coding change: c.591_592del on transcript NM_001271.4 (MANE Select); coding-DNA positions 591 to 592, 2 bases deleted (TC; older notation c.591_592delTC).
Protein change: p.Gln198fs; shifts the reading frame from glutamine 198.
Molecular consequence: frameshift variant.
Genome position (GRCh38, 1-based): chr15:92,939,617-92,939,618, TC deleted; deleting any 2 consecutive bases within chr15:92,939,616-92,939,618 gives the same sequence; the c. name uses the placement nearest the transcript's 3' end. VCF-style (leftmost placement, unchanged base first): chr15-92939615-ACT-A. GRCh37 (hg19) VCF-style: chr15-93482845-ACT-A.
Other names: c.591_592del, p.Gln198fs (NM_001042572.3); short protein forms Q198fs.
Identifiers: ClinVar variation 4682115 (VCV004682115.1).

ClinVar aggregate classification (germline): Pathogenic (1 of 4 stars; one submission).

Conditions:
Developmental and epileptic encephalopathy 94 (DEE94). Also called: CHD2-Related Neurodevelopmental Disorders; Epileptic encephalopathy, childhood-onset. Identifiers: Orphanet 1942, Orphanet 2382, MedGen C3809278, MONDO:0014150, OMIM 615369.

Submission:

Clinical Genetics Laboratory, Skane University Hospital Lund
Classification: Pathogenic for Developmental and epileptic encephalopathy 94. Last evaluated: 2026-01-09. Review status: criteria provided, single submitter. Criteria: ACMG Guidelines, 2015. Collection method: clinical testing. Allele origin: de novo. Inheritance: Autosomal dominant inheritance. Affected: yes.
Comment: ACMG criteria used: PVS1, PS2, PM2